The following is an entry in ClinVar:

NM_181426.2(CCDC39):c.1460T>C (p.Leu487Pro)

Gene: CCDC39 (coiled-coil domain 39 molecular ruler complex subunit; minus strand). Cytogenetic location: 3q26.33.
Variant type: single nucleotide variant.
Coding change: c.1460T>C on transcript NM_181426.2 (MANE Select); coding-DNA position 1460, T replaced by C.
Protein change: p.Leu487Pro; replaces leucine 487 with proline.
Molecular consequence: missense variant.
Genome position (GRCh38, 1-based): chr3:180,647,146, A>G on the plus strand (T>C on the coding strand, the complement: CCDC39 is on the minus strand). VCF-style: chr3-180647146-A-G. GRCh37 (hg19) VCF-style: chr3-180364934-A-G.
Other names: short protein forms L487P.
Identifiers: ClinVar variation 1505170 (VCV001505170.3), dbSNP rs1718084209, ClinGen allele CA355310181.
Genomic context (GRCh38, chr3:180,647,146, plus strand): 5'-TTCTTGATCTGTGTTTCCAAAAGGCCACATGTAGATTTTTTCTCTTCCAAAGACTTCCTA[A>G]GTTCAACAATTTTTGCTTCAAGCGCTTGTTTTTCTTCTGAATTAATTTCTCCCTTTAACC-3'
Protein context (NP_852091.1, residues 477-497): KQALEAKIVE[Leu487Pro]RKSLEEKKST

ClinVar aggregate classification (germline): Uncertain significance (1 of 4 stars; one submission).

Conditions:
Primary ciliary dyskinesia. Also called: Ciliary dyskinesia. Identifiers: Orphanet 244, MedGen C0008780, MONDO:0016575, HP:0012265.

Allele frequency attached by ClinVar (database versions not stated): TOPMed 0.00001.

Submission:

Labcorp Genetics (formerly Invitae), Labcorp
Classification: Uncertain significance for Primary ciliary dyskinesia. Last evaluated: 2022-02-10. Review status: criteria provided, single submitter. Criteria: Invitae Variant Classification Sherloc (09022015). Collection method: clinical testing. Allele origin: germline.
Comment: This sequence change replaces leucine, which is neutral and non-polar, with proline, which is neutral and non-polar, at codon 487 of the CCDC39 protein (p.Leu487Pro). This variant is not present in population databases (gnomAD no frequency). This variant has not been reported in the literature in individuals affected with CCDC39-related conditions. Algorithms developed to predict the effect of missense changes on protein structure and function are either unavailable or do not agree on the potential impact of this missense change (SIFT: "Deleterious"; PolyPhen-2: "Probably Damaging"; Align-GVGD: "Class C0"). In summary, the available evidence is currently insufficient to determine the role of this variant in disease. Therefore, it has been classified as a Variant of Uncertain Significance.